The following is an entry in ClinVar:

ClinVar aggregate classification (germline): Pathogenic (1 of 4 stars; one submission).

Conditions:
Retinitis pigmentosa (RP). Identifiers: Orphanet 791, MedGen C0035334, MeSH D012174, MONDO:0019200, OMIM 268000. Inheritance: Autosomal dominant, autosomal recessive and X linked inheritance.

Submission:

Women's Health and Genetics/Laboratory Corporation of America, LabCorp
Classification: Pathogenic for Retinitis pigmentosa. Last evaluated: 2022-03-24. Review status: criteria provided, single submitter. Criteria: LabCorp Variant Classification Summary - May 2015. Collection method: clinical testing. Allele origin: germline.
Comment: Variant summary: The variant identified by MLPA or other technology involves the deletion of exons 14-22 in the EYS gene. A presumed nomenclature of c.(2137+1_2138-1)_(3443+1_3444-1)del has been designated for the purposes of this classification. Although exact breakpoints of this deletion are not known, it is expected to result in a frameshift deletion change in the EYS gene, a known mechanism of disease. The variant was absent in 21694 control chromosomes (gnomAD, Structural Variants dataset). Deletion of exons 14-22 has been reported in the literature in multiple individuals affected with Retinitis Pigmentosa (e.g. Liu_2020, Sharon_2020, Colombo_2021). These data indicate that the variant is very likely to be associated with disease. Two ClinVar submitters (evaluation after 2014) cite the variant as pathogenic. Based on the evidence outlined above, the variant was classified as pathogenic.

Literature cited by the submitters: PubMed 31456290; PubMed 33576794; PubMed 33090715.

NC_000006.11:g.(65336139_65523270)_(65707597_65767506)del

Gene: EYS (EGF-like photoreceptor maintenance factor; minus strand). Cytogenetic location: 6q12.
Variant type: Deletion.
Identifiers: ClinVar variation 1677184 (VCV001677184.1).